The following is an entry in ClinVar:

ClinVar aggregate classification (germline): Uncertain significance (1 of 4 stars; one submission).

Submission:

Labcorp Genetics (formerly Invitae), Labcorp
Classification: Uncertain significance. Last evaluated: 2023-04-06. Review status: criteria provided, single submitter. Criteria: Invitae Variant Classification Sherloc (09022015). Collection method: clinical testing. Allele origin: germline.
Comment: An algorithm developed to predict the effect of missense changes on protein structure and function (PolyPhen-2) suggests that this variant is likely to be tolerated. This variant has not been reported in the literature in individuals affected with ANG-related conditions. This variant is not present in population databases (gnomAD no frequency). This sequence change replaces aspartic acid, which is acidic and polar, with asparagine, which is neutral and polar, at codon 65 of the ANG protein (p.Asp65Asn). In summary, the available evidence is currently insufficient to determine the role of this variant in disease. Therefore, it has been classified as a Variant of Uncertain Significance.

NM_001097577.3(ANG):c.193G>A (p.Asp65Asn)

Genes: ANG (angiogenin; plus strand), EGILA (EGFR interacting lncRNA; minus strand), RNASE4 (ribonuclease A family member 4; plus strand). Cytogenetic location: 14q11.2.
Variant type: single nucleotide variant.
Coding change: c.193G>A on transcript NM_001097577.3 (MANE Select); coding-DNA position 193, G replaced by A.
Protein change: p.Asp65Asn; replaces aspartic acid 65 with asparagine.
Molecular consequence: missense variant. On other transcripts: intron variant (4).
Genome position (GRCh38, 1-based): chr14:20,693,757, G>A. VCF-style: chr14-20693757-G-A. GRCh37 (hg19) VCF-style: chr14-21161916-G-A.
Other names: c.193G>A, p.Asp65Asn (NM_001145.4, NM_001385271.1, NM_001385272.1 and 2 more transcripts); c.-18+107G>A (NM_001282192.2); c.-17-5598G>A (NM_002937.5, NM_001282193.2); c.-18+4883G>A (NM_194431.3); short protein forms D65N.
Identifiers: ClinVar variation 2901021 (VCV002901021.3), dbSNP rs2502151989, ClinGen allele CA389114733.